The following is an entry in ClinVar:

ClinVar aggregate classification (germline): Uncertain significance (1 of 4 stars; one submission).

Submission:

GeneDx
Classification: Uncertain significance. Last evaluated: 2022-09-20. Review status: criteria provided, single submitter. Criteria: GeneDx Variant Classification Process June 2021. Collection method: clinical testing. Allele origin: germline. Affected: yes.
Comment: Not observed at significant frequency in large population cohorts (gnomAD); In silico analysis supports that this missense variant has a deleterious effect on protein structure/function; Has not been previously published as pathogenic or benign to our knowledge

NM_001162501.2(TNRC6B):c.5365G>A (p.Gly1789Ser)

Gene: TNRC6B (trinucleotide repeat containing adaptor 6B; plus strand). Cytogenetic location: 22q13.1.
Variant type: single nucleotide variant.
Coding change: c.5365G>A on transcript NM_001162501.2 (MANE Select); coding-DNA position 5365, G replaced by A.
Protein change: p.Gly1789Ser; replaces glycine 1789 with serine.
Molecular consequence: missense variant.
Genome position (GRCh38, 1-based): chr22:40,323,104, G>A. VCF-style: chr22-40323104-G-A. GRCh37 (hg19) VCF-style: chr22-40719108-G-A.
Other names: c.2953G>A, p.Gly985Ser (NM_001024843.2); c.5035G>A, p.Gly1679Ser (NM_015088.3); short protein forms G1679S, G1789S, G985S.
Identifiers: ClinVar variation 2444649 (VCV002444649.1), dbSNP rs2518055721, ClinGen allele CA411672402.
Genomic context (GRCh38, chr22:40,323,104, plus strand): 5'-TCCACTGGGCTCGGGCAGTGGAGCAGCAGCGCTGGTGGCAGCAGCGGGGCCGATCTTGCT[G>A]GCGCTTCATTGTGGGGGCCCCCAAACTATTCTTCTAGCTTATGGGGAGTCCCAACGGTGG-3'
Protein context (NP_001155973.1, residues 1779-1799): AGGSSGADLA[Gly1789Ser]ASLWGPPNYS